The following is an entry in ClinVar:

NM_000261.2(MYOC):c.271C>T (p.Arg91Ter)

Gene: MYOC (myocilin; minus strand). Cytogenetic location: 1q24.3.
Variant type: single nucleotide variant.
Coding change: c.271C>T on transcript NM_000261.2 (MANE Select); coding-DNA position 271, C replaced by T.
Protein change: p.Arg91Ter; replaces arginine 91 with a stop codon.
Molecular consequence: nonsense.
Genome position (GRCh38, 1-based): chr1:171,652,341, G>A on the plus strand (C>T on the coding strand, the complement: MYOC is on the minus strand). VCF-style: chr1-171652341-G-A. GRCh37 (hg19) VCF-style: chr1-171621481-G-A.
Other names: NM_000261.2:c.271C>T; short protein forms R91*.
Identifiers: ClinVar variation 1686781 (VCV001686781.5), dbSNP rs143413116, ClinGen allele CA1244303.

ClinVar aggregate classification (germline): Uncertain significance. Review status: reviewed by expert panel (3 of 4 stars). 2 submissions from 2 submitters: Uncertain significance (1). 1 of the submissions does not count toward it. Last evaluated 2025-12-03.

Conditions:
Glaucoma 1, open angle, A (GLC1A). Also called: Glaucoma, Dominant (Juvenile Onset). Identifiers: Orphanet 98977, MedGen C1842028, MONDO:0007664, OMIM 137750.
Open-angle glaucoma. Identifiers: MedGen C0017612, MONDO:0005338, HP:0012108.

Allele frequency attached by ClinVar (database versions not stated): gnomAD exomes 0.00001 and 0.00003; ExAC 0.00002; TOPMed 0.00002; ESP Exome Variant Server 0.00008.
gnomAD v4.1: 20 of 1,609,984 alleles (0.0012%); highest among the groups gnomAD compares: Middle Eastern, 0.017%; no homozygotes.

Submissions (2):

ClinGen Glaucoma Variant Curation Expert Panel
Classification: Uncertain significance for Open-angle glaucoma. Last evaluated: 2025-12-03. Review status: reviewed by expert panel. Criteria: ClinGen Glaucoma ACMG Specifications V2.0.0 Approved. Collection method: curation. Allele origin: germline. Inheritance: Autosomal dominant inheritance.
Comment: The c.271C>T variant in MYOC is predicted to cause a change in the length of the protein due to the insertion of a terminating codon instead of the usual Arginine at amino acid 91. Truncation of this protein occurs outside of the conserved olfactomedin domain, which did not meet PM4. PVS1 did not apply, as the disease mechanism for MYOC variants associated with juvenile or primary open angle glaucoma is not loss-of-function. The highest minor allele frequency of this variant was in the Admixed American genetic ancestry group of gnomAD (v4.1.0) = 0.00005013 (3 alleles out of 59,846), which met the ≤ 0.0001 threshold set for PM2_Supporting in a genetic ancestry group of at least 10,000 alleles. There was no computational or functional evidence predicting a damaging or benign impact of this variant on MYOC function. Only 1 segregation had been reported for juvenile open angle glaucoma (PMID: 24825108), not meeting the ≥ 3 segregations required for PP1. 2 probands with JOAG or POAG have been reported carrying this variant (PMIDs: 24825108, 10798654), which met PS4_Supporting (≥ 2 probands). In summary, this variant met the criteria to receive a score of 2 and to be classified as a variant of uncertain significance (uncertain significance classification range -1 to 5, adapted from PMID: 32720330) for juvenile open angle glaucoma based on the ACMG/AMP criteria met, as specified by the ClinGen Glaucoma VCEP (v2.0.0, 5 Dec 2024): PS4_Supporting, PM2_Supporting.

Department of Pathology and Laboratory Medicine, Sinai Health System
Classification: Uncertain significance for Glaucoma 1, open angle, A. Last evaluated: 2023-01-11. Review status: criteria provided, single submitter. Criteria: ACMG Guidelines, 2015. Collection method: research. Allele origin: germline. Not counted in ClinVar's aggregate classification.